The following is an entry in ClinVar:

ClinVar aggregate classification (germline): Uncertain significance (1 of 4 stars; one submission).

Conditions:
Inclusion body myopathy with early-onset Paget disease with or without frontotemporal dementia 2 (IBMPFD2). Also called: MULTISYSTEM PROTEINOPATHY 2. Identifiers: MedGen C3809468, MONDO:0014178, OMIM 615422.

Submission:

Labcorp Genetics (formerly Invitae), Labcorp
Classification: Uncertain significance for Inclusion body myopathy with early-onset Paget disease with or without frontotemporal dementia 2. Last evaluated: 2023-04-07. Review status: criteria provided, single submitter. Criteria: Invitae Variant Classification Sherloc (09022015). Collection method: clinical testing. Allele origin: germline.
Comment: This sequence change falls in intron 1 of the HNRNPA2B1 gene. It does not directly change the encoded amino acid sequence of the HNRNPA2B1 protein. It affects a nucleotide within the consensus splice site. This variant is not present in population databases (gnomAD no frequency). This variant has not been reported in the literature in individuals affected with HNRNPA2B1-related conditions. Variants that disrupt the consensus splice site are a relatively common cause of aberrant splicing (PMID: 17576681, 9536098). Algorithms developed to predict the effect of sequence changes on RNA splicing suggest that this variant is not likely to affect RNA splicing. In summary, the available evidence is currently insufficient to determine the role of this variant in disease. Therefore, it has been classified as a Variant of Uncertain Significance.

Literature cited by the submitters: PubMed 17576681; PubMed 9536098.

NM_002137.4(HNRNPA2B1):c.7-137C>T

Gene: HNRNPA2B1 (heterogeneous nuclear ribonucleoprotein A2/B1; minus strand). Cytogenetic location: 7p15.2.
Variant type: single nucleotide variant.
Coding change: c.7-137C>T on transcript NM_002137.4 (MANE Select); 137 bases into the intron before coding-DNA position 7, C replaced by T.
Molecular consequence: intron variant.
Genome position (GRCh38, 1-based): chr7:26,197,869, G>A on the plus strand (C>T on the coding strand, the complement: HNRNPA2B1 is on the minus strand). VCF-style: chr7-26197869-G-A. GRCh37 (hg19) VCF-style: chr7-26237489-G-A.
Other names: c.7-137C>T (NM_001438571.1, NM_001438572.1, NM_001438063.1 and 4 more transcripts); c.7-3C>T (NM_001438574.1, NM_001438573.1, NM_001438568.1 and 3 more transcripts).
Identifiers: ClinVar variation 2808488 (VCV002808488.3), dbSNP rs2535818132, ClinGen allele CA2682105129.